The following is an entry in ClinVar:

NM_030665.4(RAI1):c.4819T>A (p.Phe1607Ile)

Gene: RAI1 (retinoic acid induced 1; plus strand). Cytogenetic location: 17p11.2.
Variant type: single nucleotide variant.
Coding change: c.4819T>A on transcript NM_030665.4 (MANE Select); coding-DNA position 4819, T replaced by A.
Protein change: p.Phe1607Ile; replaces phenylalanine 1607 with isoleucine.
Molecular consequence: missense variant.
Genome position (GRCh38, 1-based): chr17:17,797,767, T>A. VCF-style: chr17-17797767-T-A. GRCh37 (hg19) VCF-style: chr17-17701081-T-A.
Other names: short protein forms F1607I.
Identifiers: ClinVar variation 1707831 (VCV001707831.2), dbSNP rs2143003223, ClinGen allele CA398557604.

ClinVar aggregate classification (germline): Uncertain significance (1 of 4 stars; one submission).

Submission:

GeneDx
Classification: Uncertain significance. Last evaluated: 2022-04-01. Review status: criteria provided, single submitter. Criteria: GeneDx Variant Classification Process June 2021. Collection method: clinical testing. Allele origin: germline. Affected: yes.
Comment: Not observed at significant frequency in large population cohorts (gnomAD); In silico analysis supports that this missense variant does not alter protein structure/function; Has not been previously published as pathogenic or benign to our knowledge